The following is an entry in ClinVar:

NM_006765.4(TUSC3):c.188G>C (p.Arg63Pro)

Gene: TUSC3 (tumor suppressor candidate 3; plus strand). Cytogenetic location: 8p22.
Variant type: single nucleotide variant.
Coding change: c.188G>C on transcript NM_006765.4 (MANE Select); coding-DNA position 188, G replaced by C.
Protein change: p.Arg63Pro; replaces arginine 63 with proline.
Molecular consequence: missense variant.
Genome position (GRCh38, 1-based): chr8:15,623,129, G>C. VCF-style: chr8-15623129-G-C. GRCh37 (hg19) VCF-style: chr8-15480638-G-C.
Other names: c.188G>C, p.Arg63Pro (NM_001356429.2, NM_001413583.1, NM_001413673.1 and 17 more transcripts); c.20G>C, p.Arg7Pro (NM_001413669.1, NM_001413671.1, NM_001413672.1); c.128G>C, p.Arg43Pro (NM_001413670.1); c.-127G>C (NM_001413677.1); short protein forms R43P, R7P, R63P.
Identifiers: ClinVar variation 1782049 (VCV001782049.2), dbSNP rs1805325913, ClinGen allele CA370389749.

ClinVar aggregate classification (germline): Uncertain significance (1 of 4 stars; one submission).

Conditions:
Inborn genetic diseases. Identifiers: MedGen C0950123, MeSH D030342.

Submission:

Ambry Genetics
Classification: Uncertain significance for Inborn genetic diseases. Last evaluated: 2018-08-31. Review status: criteria provided, single submitter. Criteria: Ambry Variant Classification Scheme 2023. Collection method: clinical testing. Allele origin: germline.
Comment: The p.R63P variant (also known as c.188G>C), located in coding exon 2 of the TUSC3 gene, results from a G to C substitution at nucleotide position 188. The arginine at codon 63 is replaced by proline, an amino acid with dissimilar properties. This amino acid position is highly conserved in available vertebrate species. In addition, the in silico prediction for this alteration is inconclusive. Since supporting evidence is limited at this time, the clinical significance of this alteration remains unclear.